The following is an entry in ClinVar:

NM_000256.3(MYBPC3):c.3328A>G (p.Met1110Val)

Gene: MYBPC3 (myosin binding protein C3; minus strand). Cytogenetic location: 11p11.2.
Variant type: single nucleotide variant.
Coding change: c.3328A>G on transcript NM_000256.3 (MANE Select); coding-DNA position 3328, A replaced by G.
Protein change: p.Met1110Val; replaces methionine 1110 with valine.
Molecular consequence: missense variant.
Genome position (GRCh38, 1-based): chr11:47,333,196, T>C on the plus strand (A>G on the coding strand, the complement: MYBPC3 is on the minus strand). VCF-style: chr11-47333196-T-C. GRCh37 (hg19) VCF-style: chr11-47354747-T-C.
Other names: short protein forms M1110V.
Identifiers: ClinVar variation 926732 (VCV000926732.8), dbSNP rs1221557714, ClinGen allele CA380314018.

ClinVar aggregate classification (germline): Uncertain significance. Review status: criteria provided, multiple submitters, no conflicts (2 of 4 stars). 3 submissions from 3 submitters: Uncertain significance (3). Last evaluated 2026-03-15.

Conditions:
Cardiomyopathy (CMYO). Also called: Cardiomyopathies. Identifiers: Orphanet 167848, MedGen C0878544, MONDO:0004994, HP:0001638. Inheritance: Various modes of inheritance.
Cardiovascular phenotype. Identifiers: MedGen CN230736.
Hypertrophic cardiomyopathy. Also called: HYPERTROPHIC MYOCARDIOPATHY. Identifiers: Orphanet 217569, MedGen C0007194, MeSH D002312, MONDO:0005045, HP:0001639.

Allele frequency attached by ClinVar (database versions not stated): gnomAD exomes 0.00001.

Submissions (3):

Ambry Genetics
Classification: Uncertain significance for Cardiovascular phenotype. Last evaluated: 2026-03-15. Review status: criteria provided, single submitter. Criteria: Ambry Variant Classification Scheme 2023. Collection method: clinical testing. Allele origin: germline.
Comment: The p.M1110V variant (also known as c.3328A>G), located in coding exon 30 of the MYBPC3 gene, results from an A to G substitution at nucleotide position 3328. The methionine at codon 1110 is replaced by valine, an amino acid with highly similar properties. This amino acid position is conserved. In addition, the in silico prediction for this alteration is inconclusive. Based on the available evidence, the clinical significance of this variant remains unclear.

All of Us Research Program, National Institutes of Health
Classification: Uncertain significance for Hypertrophic cardiomyopathy. Last evaluated: 2023-01-10. Review status: criteria provided, single submitter. Criteria: ACMG Guidelines, 2015. Collection method: clinical testing. Allele origin: germline. Inheritance: Autosomal dominant inheritance. Observed: 1 variant allele, 1 heterozygote.
Comment: Variant of Uncertain Significance due to insufficient evidence: This missense variant replaces methionine with valine at codon 1110 of the MYBPC3 protein. Computational prediction tools and conservation analyses suggest that this variant may have deleterious impact on the protein function. Computational splicing tools suggest that this variant may not impact RNA splicing. To our knowledge, functional assays have not been performed for this variant nor has this variant been reported in individuals affected with cardiovascular disorders in the literature. This variant is rare in the general population and has been identified in 0/277264 chromosomes by the Genome Aggregation Database (gnomAD). Available evidence is insufficient to determine the role of this variant in disease conclusively.

This study involves interpretation of variants in research participants for the purpose of population health screening. Participant phenotype was not available at the time of variant classification. Additional details can be found in publication PMID: 35346344, PMCID: PMC8962531

Color Diagnostics, LLC DBA Color Health
Classification: Uncertain significance for Cardiomyopathy. Last evaluated: 2022-11-17. Review status: criteria provided, single submitter. Criteria: ACMG Guidelines, 2015. Collection method: clinical testing. Allele origin: germline.
Comment: This missense variant replaces methionine with valine at codon 1110 of the MYBPC3 protein. Computational prediction suggests that this variant may have deleterious impact on protein structure and function (internally defined REVEL score threshold >= 0.7, PMID: 27666373). To our knowledge, functional studies have not been reported for this variant. This variant has not been reported in individuals affected with MYBPC3-related disorders in the literature. This variant has been identified in 2/228062 chromosomes in the general population by the Genome Aggregation Database (gnomAD). The available evidence is insufficient to determine the role of this variant in disease conclusively. Therefore, this variant is classified as a Variant of Uncertain Significance.